The following is an entry in ClinVar:

NM_000179.3(MSH6):c.261-7G>A

Gene: MSH6 (mutS homolog 6; plus strand). Cytogenetic location: 2p16.3.
Variant type: single nucleotide variant.
Coding change: c.261-7G>A on transcript NM_000179.3 (MANE Select); 7 bases into the intron before coding-DNA position 261, G replaced by A.
Molecular consequence: intron variant.
Genome position (GRCh38, 1-based): chr2:47,790,920, G>A. VCF-style: chr2-47790920-G-A. GRCh37 (hg19) VCF-style: chr2-48018059-G-A.
Other names: c.-476-7G>A (NM_001281493.2); c.237+7450G>A (NM_001281492.2); c.-642-7G>A (NM_001281494.2).
Identifiers: ClinVar variation 1318628 (VCV001318628.2), dbSNP rs1294490192, ClinGen allele CA2573051965.

ClinVar aggregate classification (germline): Uncertain significance (1 of 4 stars; one submission).

Submission:

GeneDx
Classification: Uncertain significance. Last evaluated: 2021-02-10. Review status: criteria provided, single submitter. Criteria: GeneDx Variant Classification Process June 2021. Collection method: clinical testing. Allele origin: germline. Affected: yes.
Comment: Not observed in large population cohorts (Lek et al., 2016); Has not been previously published as pathogenic or benign to our knowledge; In-silico analysis, which includes splice predictors and evolutionary conservation, is inconclusive as to whether the variant alters gene splicing. In the absence of RNA/functional studies, the actual effect of this sequence change is unknown.